The following is an entry in ClinVar:

NM_003458.4(BSN):c.4546G>A (p.Asp1516Asn)

Gene: BSN (bassoon presynaptic cytomatrix protein; plus strand). Cytogenetic location: 3p21.31.
Variant type: single nucleotide variant.
Coding change: c.4546G>A on transcript NM_003458.4 (MANE Select); coding-DNA position 4546, G replaced by A.
Protein change: p.Asp1516Asn; replaces aspartic acid 1516 with asparagine.
Molecular consequence: missense variant.
Genome position (GRCh38, 1-based): chr3:49,654,102, G>A. VCF-style: chr3-49654102-G-A. GRCh37 (hg19) VCF-style: chr3-49691535-G-A.
Other names: short protein forms D1516N.
Identifiers: ClinVar variation 4976106 (VCV004976106.1).

ClinVar aggregate classification (germline): Uncertain significance (1 of 4 stars; one submission).

Submission:

GeneDx
Classification: Uncertain significance. Last evaluated: 2026-02-20. Review status: criteria provided, single submitter. Criteria: GeneDx Variant Classification Process June 2021. Collection method: clinical testing. Allele origin: germline.
Comment: Not observed at significant frequency in large population cohorts (gnomAD); In silico analysis suggests that this missense variant does not alter protein structure/function; Has not been previously published as pathogenic or benign to our knowledge